The following is an entry in ClinVar:

NM_001414.4(EIF2B1):c.532G>A (p.Val178Met)

Gene: EIF2B1 (eukaryotic translation initiation factor 2B subunit alpha; minus strand). Cytogenetic location: 12q24.31.
Variant type: single nucleotide variant.
Coding change: c.532G>A on transcript NM_001414.4 (MANE Select); coding-DNA position 532, G replaced by A.
Protein change: p.Val178Met; replaces valine 178 with methionine.
Molecular consequence: missense variant.
Genome position (GRCh38, 1-based): chr12:123,626,444, C>T on the plus strand (G>A on the coding strand, the complement: EIF2B1 is on the minus strand). VCF-style: chr12-123626444-C-T. GRCh37 (hg19) VCF-style: chr12-124110991-C-T.
Other names: c.532G>A (NM_001414.3); short protein forms V178M.
Identifiers: ClinVar variation 1977645 (VCV001977645.3), dbSNP rs767097089, ClinGen allele CA387141818.

ClinVar aggregate classification (germline): Uncertain significance. Review status: criteria provided, multiple submitters, no conflicts (2 of 4 stars). 2 submissions from 2 submitters: Uncertain significance (2). Last evaluated 2026-02-23.

Conditions:
Inborn genetic diseases. Identifiers: MedGen C0950123, MeSH D030342.

gnomAD v4.1: 1 of 1,614,110 alleles (0.000062%); highest among the groups gnomAD compares: Non-Finnish European, 0.000085%; no homozygotes.

Submissions (2):

Ambry Genetics
Classification: Uncertain significance for Inborn genetic diseases. Last evaluated: 2026-02-23. Review status: criteria provided, single submitter. Criteria: Ambry Variant Classification Scheme 2023. Collection method: clinical testing. Allele origin: germline.

Labcorp Genetics (formerly Invitae), Labcorp
Classification: Uncertain significance. Last evaluated: 2022-02-11. Review status: criteria provided, single submitter. Criteria: Invitae Variant Classification Sherloc (09022015). Collection method: clinical testing. Allele origin: germline.
Comment: This sequence change replaces valine, which is neutral and non-polar, with methionine, which is neutral and non-polar, at codon 178 of the EIF2B1 protein (p.Val178Met). This variant is not present in population databases (gnomAD no frequency). This variant has not been reported in the literature in individuals affected with EIF2B1-related conditions. Algorithms developed to predict the effect of missense changes on protein structure and function are either unavailable or do not agree on the potential impact of this missense change (SIFT: "Deleterious"; PolyPhen-2: "Possibly Damaging"; Align-GVGD: "Class C0"). In summary, the available evidence is currently insufficient to determine the role of this variant in disease. Therefore, it has been classified as a Variant of Uncertain Significance.